The following is an entry in ClinVar:

NM_030787.4(CFHR5):c.58+17_58+18delinsAG

Gene: CFHR5 (complement factor H related 5; plus strand). Cytogenetic location: 1q31.3.
Variant type: Indel.
Coding change: c.58+17_58+18delinsAG on transcript NM_030787.4 (MANE Select); bases 17 to 18 of the intron after coding-DNA position 58, TC replaced by AG.
Molecular consequence: intron variant.
Genome position (GRCh38, 1-based): chr1:196,977,739-196,977,740, TC replaced by AG. VCF-style: chr1-196977739-TC-AG. GRCh37 (hg19) VCF-style: chr1-196946869-TC-AG.
Identifiers: ClinVar variation 4700707 (VCV004700707.1).

ClinVar aggregate classification (germline): Uncertain significance (1 of 4 stars; one submission).

Submission:

Labcorp Genetics (formerly Invitae), Labcorp
Classification: Uncertain significance. Last evaluated: 2025-08-17. Review status: criteria provided, single submitter. Criteria: Invitae Variant Classification Sherloc (09022015). Collection method: clinical testing. Allele origin: germline.
Comment: This sequence change falls in intron 1 of the CFHR5 gene. It does not directly change the encoded amino acid sequence of the CFHR5 protein. Information on the frequency of this variant in the gnomAD database is not available, as this variant may be reported differently in the database. This variant has not been reported in the literature in individuals affected with CFHR5-related conditions. Experimental studies and prediction algorithms are not available or were not evaluated, and the effect of this variant on mRNA splicing is currently unknown. In summary, the available evidence is currently insufficient to determine the role of this variant in disease. Therefore, it has been classified as a Variant of Uncertain Significance.